The following is an entry in ClinVar:

ClinVar aggregate classification (germline): Uncertain significance (1 of 4 stars; one submission).

Conditions:
Ataxia-telangiectasia syndrome (AT). Also called: Ataxia-telangiectasia, complementation group D; AT, COMPLEMENTATION GROUP C; ATAXIA-TELANGIECTASIA, COMPLEMENTATION GROUP A; ATAXIA-TELANGIECTASIA, FRESNO VARIANT; Ataxia-telangiectasia; Ataxia-telangiectasia, complementation group E. Identifiers: Orphanet 100, MedGen C0004135, MONDO:0008840, OMIM 208900.

Submission:

Labcorp Genetics (formerly Invitae), Labcorp
Classification: Uncertain significance for Ataxia-telangiectasia syndrome. Last evaluated: 2024-11-06. Review status: criteria provided, single submitter. Criteria: Invitae Variant Classification Sherloc (09022015). Collection method: clinical testing. Allele origin: germline.
Comment: This sequence change replaces glutamic acid, which is acidic and polar, with aspartic acid, which is acidic and polar, at codon 2039 of the ATM protein (p.Glu2039Asp). This variant is not present in population databases (gnomAD no frequency). This variant has not been reported in the literature in individuals affected with ATM-related conditions. Invitae Evidence Modeling of protein sequence and biophysical properties (such as structural, functional, and spatial information, amino acid conservation, physicochemical variation, residue mobility, and thermodynamic stability) indicates that this missense variant is not expected to disrupt ATM protein function with a negative predictive value of 95%. This variant disrupts the p.Glu2039 amino acid residue in ATM. Other variant(s) that disrupt this residue have been determined to be pathogenic (PMID: 19781682, 22071889, 26896183, 30303537, 30549301; internal data). This suggests that this residue is clinically significant, and that variants that disrupt this residue are likely to be disease-causing. In summary, the available evidence is currently insufficient to determine the role of this variant in disease. Therefore, it has been classified as a Variant of Uncertain Significance.

Literature cited by the submitters: PubMed 19781682; PubMed 22071889; PubMed 26896183; PubMed 30303537; PubMed 30549301.

NM_000051.4(ATM):c.6117A>T (p.Glu2039Asp)

Genes: ATM (ATM serine/threonine kinase; plus strand), C11orf65 (chromosome 11 open reading frame 65; minus strand). Cytogenetic location: 11q22.3.
Variant type: single nucleotide variant.
Coding change: c.6117A>T on transcript NM_000051.4 (MANE Select); coding-DNA position 6117, A replaced by T.
Protein change: p.Glu2039Asp; replaces glutamic acid 2039 with aspartic acid.
Molecular consequence: missense variant. On other transcripts: intron variant (2).
Genome position (GRCh38, 1-based): chr11:108,316,032, A>T. VCF-style: chr11-108316032-A-T. GRCh37 (hg19) VCF-style: chr11-108186759-A-T.
Other names: c.6117A>T, p.Glu2039Asp (NM_001351834.2); c.641-6961T>A (NM_001330368.2); c.*39-6961T>A (NM_001351110.2); short protein forms E2039D.
Identifiers: ClinVar variation 3630124 (VCV003630124.2).